The following is an entry in ClinVar:

NM_020975.6(RET):c.1063+2dup

Gene: RET (ret proto-oncogene; plus strand). Cytogenetic location: 10q11.21.
Variant type: Duplication.
Coding change: c.1063+2dup on transcript NM_020975.6 (MANE Select); the canonical splice donor site of the intron after coding-DNA position 1063, one base duplicated (T; older notation c.1063+2dupT).
Molecular consequence: splice donor variant. On other transcripts: intron variant (25).
Genome position (GRCh38, 1-based): chr10:43,106,573, T duplicated. VCF-style (leftmost placement, unchanged base first): chr10-43106572-G-GT. GRCh37 (hg19) VCF-style: chr10-43602020-G-GT.
Other names: c.625+3944dup (NM_001406787.1, NM_001406785.1, NM_001406782.1 and 3 more transcripts); c.934+2dup (NM_001406764.1, NM_001406762.1, NM_001406761.1 and 1 more transcripts); c.738+1380dup (NM_001406774.1); c.496+3944dup (NM_001406786.1, NM_001406783.1); c.775+2dup (NM_001406770.1, NM_001406766.1, NM_001406767.1); c.338-2458dup (NM_001406778.1, NM_001406775.1, NM_001406776.1 and 1 more transcripts); c.867+1380dup (NM_001406772.1, NM_001406769.1); c.626-2458dup (NM_001406773.1, NM_001406771.1); and 5 more.
Identifiers: ClinVar variation 5028187 (VCV005028187.1).
Genomic context (GRCh38, chr10:43,106,572, plus strand): 5'-CCAACGAGACCTCGGTCCAGGCCAACGGCAGCTTCGTGCGGGCGACCGTACATGACTATA[G>GT]TAAGAGGGGCTGGTGGCACGGCCTGGCTAGGCCCCCAGGAAATGAGGTGCTCGCTCTTCA-3'

ClinVar aggregate classification (germline): Uncertain significance (1 of 4 stars; one submission).

Conditions:
Hereditary cancer-predisposing syndrome. Also called: Neoplastic Syndromes, Hereditary; Tumor predisposition; Hereditary neoplastic syndrome; Hereditary Cancer Syndrome. Identifiers: Orphanet 140162, MedGen C0027672, MeSH D009386, MONDO:0015356.

Submission:

Ambry Genetics
Classification: Uncertain significance for Hereditary cancer-predisposing syndrome. Last evaluated: 2026-07-16. Review status: criteria provided, single submitter. Criteria: Ambry Variant Classification Scheme 2023. Collection method: clinical testing. Allele origin: germline.
Comment: The c.1063+2dupT intronic variant, results from a duplication of a single nucleotide at position 1063+2 within intron 5 of the RET gene. This variant does not change the sequence of the canonical donor at this splice site. This nucleotide position is highly conserved in available vertebrate species. In silico splice site analysis for this alteration is inconclusive. Based on the available evidence, the clinical significance of this variant remains unclear.